The following is an entry in ClinVar:

ClinVar aggregate classification (germline): Uncertain significance (1 of 4 stars; one submission).

Submission:

Labcorp Genetics (formerly Invitae), Labcorp
Classification: Uncertain significance. Last evaluated: 2022-10-24. Review status: criteria provided, single submitter. Criteria: Invitae Variant Classification Sherloc (09022015). Collection method: clinical testing. Allele origin: germline.
Comment: In summary, the available evidence is currently insufficient to determine the role of this variant in disease. Therefore, it has been classified as a Variant of Uncertain Significance. Algorithms developed to predict the effect of sequence changes on RNA splicing suggest that this variant may create or strengthen a splice site. Algorithms developed to predict the effect of missense changes on protein structure and function are either unavailable or do not agree on the potential impact of this missense change (SIFT: "Not Available"; PolyPhen-2: "Benign"; Align-GVGD: "Not Available"). ClinVar contains an entry for this variant (Variation ID: 838082). This variant has not been reported in the literature in individuals affected with NTHL1-related conditions. This variant is not present in population databases (gnomAD no frequency). This sequence change replaces glycine, which is neutral and non-polar, with tryptophan, which is neutral and slightly polar, at codon 78 of the NTHL1 protein (p.Gly78Trp).

NM_002528.7(NTHL1):c.208G>T (p.Gly70Trp)

Gene: NTHL1 (nth like DNA glycosylase 1; minus strand). Cytogenetic location: 16p13.3.
Variant type: single nucleotide variant.
Coding change: c.208G>T on transcript NM_002528.7 (MANE Select); coding-DNA position 208, G replaced by T.
Protein change: p.Gly70Trp; replaces glycine 70 with tryptophan.
Molecular consequence: missense variant. On other transcripts: intron variant (1).
Genome position (GRCh38, 1-based): chr16:2,046,274, C>A on the plus strand (G>T on the coding strand, the complement: NTHL1 is on the minus strand). VCF-style: chr16-2046274-C-A. GRCh37 (hg19) VCF-style: chr16-2096275-C-A.
Other names: c.208G>T, p.Gly70Trp (NM_001318193.2); c.24+6G>T (NM_001318194.2); short protein forms G70W.
Identifiers: ClinVar variation 838082 (VCV000838082.9), dbSNP rs2084378096, ClinGen allele CA394297541.